The following is an entry in ClinVar:

NM_000541.5(SAG):c.232G>A (p.Val78Met)

Gene: SAG (S-antigen visual arrestin; plus strand). Cytogenetic location: 2q37.1.
Variant type: single nucleotide variant.
Coding change: c.232G>A on transcript NM_000541.5 (MANE Select); coding-DNA position 232, G replaced by A.
Protein change: p.Val78Met; replaces valine 78 with methionine.
Molecular consequence: missense variant.
Genome position (GRCh38, 1-based): chr2:233,320,680, G>A. VCF-style: chr2-233320680-G-A. GRCh37 (hg19) VCF-style: chr2-234229326-G-A.
Other names: short protein forms V78M.
Identifiers: ClinVar variation 2961653 (VCV002961653.3), dbSNP rs760031511, ClinGen allele CA2174312.

ClinVar aggregate classification (germline): Uncertain significance (1 of 4 stars; one submission).

gnomAD v4.1: 12 of 1,607,114 alleles (0.00075%); highest among the groups gnomAD compares: African/African-American, 0.0027%; no homozygotes.

Submission:

Labcorp Genetics (formerly Invitae), Labcorp
Classification: Uncertain significance. Last evaluated: 2024-10-22. Review status: criteria provided, single submitter. Criteria: Invitae Variant Classification Sherloc (09022015). Collection method: clinical testing. Allele origin: germline.
Comment: This sequence change replaces valine, which is neutral and non-polar, with methionine, which is neutral and non-polar, at codon 78 of the SAG protein (p.Val78Met). The frequency data for this variant in the population databases is considered unreliable, as metrics indicate poor data quality at this position in the gnomAD database. This variant has not been reported in the literature in individuals affected with SAG-related conditions. Invitae Evidence Modeling of protein sequence and biophysical properties (such as structural, functional, and spatial information, amino acid conservation, physicochemical variation, residue mobility, and thermodynamic stability) indicates that this missense variant is not expected to disrupt SAG protein function with a negative predictive value of 80%. In summary, the available evidence is currently insufficient to determine the role of this variant in disease. Therefore, it has been classified as a Variant of Uncertain Significance.